The following is an entry in ClinVar:

NM_025145.7(CFAP43):c.4624C>G (p.Leu1542Val)

Gene: CFAP43 (cilia and flagella associated protein 43; minus strand). Cytogenetic location: 10q25.1.
Variant type: single nucleotide variant.
Coding change: c.4624C>G on transcript NM_025145.7 (MANE Select); coding-DNA position 4624, C replaced by G.
Protein change: p.Leu1542Val; replaces leucine 1542 with valine.
Molecular consequence: missense variant.
Genome position (GRCh38, 1-based): chr10:104,132,169, G>C on the plus strand (C>G on the coding strand, the complement: CFAP43 is on the minus strand). VCF-style: chr10-104132169-G-C. GRCh37 (hg19) VCF-style: chr10-105891927-G-C.
Other names: short protein forms L1542V.
Identifiers: ClinVar variation 709932 (VCV000709932.29), dbSNP rs117628923, ClinGen allele CA5679954.

ClinVar aggregate classification (germline): Benign/Likely benign. Review status: criteria provided, multiple submitters, no conflicts (2 of 4 stars). 2 submissions from 2 submitters: Benign (1); Likely benign (1). Last evaluated 2026-06-01.

Allele frequency attached by ClinVar (database versions not stated): ExAC 0.00590; gnomAD exomes 0.00608 and 0.00817; ESP Exome Variant Server 0.00693; gnomAD 0.00693 and 0.00723; 1000 Genomes Project 30x 0.00234; 1000 Genomes Project 0.00280; TOPMed 0.00486.
gnomAD v4.1: 12,823 of 1,603,012 alleles (0.8%); highest among the groups gnomAD compares: Non-Finnish European, 0.93%; 72 homozygotes.

Submissions (2):

CeGaT Center for Human Genetics Tuebingen
Classification: Likely benign. Last evaluated: 2026-06-01. Review status: criteria provided, single submitter. Criteria: CeGaT Center For Human Genetics Tuebingen Variant Classification Criteria Version 2. Collection method: clinical testing. Allele origin: germline. Affected: yes. Observed: 6 variant alleles.
Comment: CFAP43: BP4, BS2

Labcorp Genetics (formerly Invitae), Labcorp
Classification: Benign. Last evaluated: 2019-12-31. Review status: criteria provided, single submitter. Criteria: Invitae Variant Classification Sherloc (09022015). Collection method: clinical testing. Allele origin: germline.